The following is an entry in ClinVar:

NM_003128.3(SPTBN1):c.4377G>T (p.Lys1459Asn)

Gene: SPTBN1 (spectrin beta, non-erythrocytic 1; plus strand). Cytogenetic location: 2p16.2.
Variant type: single nucleotide variant.
Coding change: c.4377G>T on transcript NM_003128.3 (MANE Select); coding-DNA position 4377, G replaced by T.
Protein change: p.Lys1459Asn; replaces lysine 1459 with asparagine.
Molecular consequence: missense variant.
Genome position (GRCh38, 1-based): chr2:54,645,336, G>T. VCF-style: chr2-54645336-G-T. GRCh37 (hg19) VCF-style: chr2-54872473-G-T.
Other names: c.4338G>T, p.Lys1446Asn (NM_178313.3); short protein forms K1446N, K1459N.
Identifiers: ClinVar variation 4083089 (VCV004083089.2).

ClinVar aggregate classification (germline): Uncertain significance (1 of 4 stars; one submission).

Submission:

GeneDx
Classification: Uncertain significance. Last evaluated: 2026-02-11. Review status: criteria provided, single submitter. Criteria: GeneDx Variant Classification Process June 2021. Collection method: clinical testing. Allele origin: germline.
Comment: Not observed at significant frequency in large population cohorts (gnomAD); In silico analysis supports that this missense variant has a deleterious effect on protein structure/function; Has not been previously published as pathogenic or benign to our knowledge